The following is an entry in ClinVar:

NM_006231.4(POLE):c.61A>C (p.Arg21=)

Genes: POLE (DNA polymerase epsilon, catalytic subunit; minus strand), LOC130009266 (ATAC-STARR-seq lymphoblastoid silent region 5123; plus strand). Cytogenetic location: 12q24.33.
Variant type: single nucleotide variant.
Coding change: c.61A>C on transcript NM_006231.4 (MANE Select); coding-DNA position 61, A replaced by C.
Protein change: p.Arg21=; no amino-acid change (arginine 21 retained).
Molecular consequence: synonymous variant.
Genome position (GRCh38, 1-based): chr12:132,687,255, T>G on the plus strand (A>C on the coding strand, the complement: POLE is on the minus strand). VCF-style: chr12-132687255-T-G. GRCh37 (hg19) VCF-style: chr12-133263841-T-G.
Other names: c.61A>C (NM_006231.2).
Identifiers: ClinVar variation 1932891 (VCV001932891.7), dbSNP rs2542221596, ClinGen allele CA482725575.

ClinVar aggregate classification (germline): Conflicting classifications of pathogenicity. Review status: criteria provided, conflicting classifications (1 of 4 stars). 2 submissions from 2 submitters: Uncertain significance (1); Likely benign (1). Last evaluated 2023-04-27.

Conditions:
Hereditary cancer-predisposing syndrome. Also called: Neoplastic Syndromes, Hereditary; Hereditary Cancer Syndrome; Tumor predisposition; Hereditary neoplastic syndrome. Identifiers: Orphanet 140162, MedGen C0027672, MeSH D009386, MONDO:0015356.

gnomAD v4.1: 2 of 1,493,620 alleles (0.00013%); highest among the groups gnomAD compares: Non-Finnish European, 0.00018%; no homozygotes.

Submissions (2):

Ambry Genetics
Classification: Likely benign for Hereditary cancer-predisposing syndrome. Last evaluated: 2023-04-27. Review status: criteria provided, single submitter. Criteria: Ambry Variant Classification Scheme 2023. Collection method: clinical testing. Allele origin: germline.

Labcorp Genetics (formerly Invitae), Labcorp
Classification: Uncertain significance. Last evaluated: 2022-04-21. Review status: criteria provided, single submitter. Criteria: Invitae Variant Classification Sherloc (09022015). Collection method: clinical testing. Allele origin: germline.
Comment: This sequence change affects codon 21 of the POLE mRNA. It is a 'silent' change, meaning that it does not change the encoded amino acid sequence of the POLE protein. It affects a nucleotide within the consensus splice site. In summary, the available evidence is currently insufficient to determine the role of this variant in disease. Therefore, it has been classified as a Variant of Uncertain Significance. Algorithms developed to predict the effect of sequence changes on RNA splicing suggest that this variant may create or strengthen a splice site. This variant has not been reported in the literature in individuals affected with POLE-related conditions. This variant is not present in population databases (gnomAD no frequency).